The following is an entry in ClinVar:

NM_005585.5(SMAD6):c.1484C>G (p.Pro495Arg)

Gene: SMAD6 (SMAD family member 6; plus strand). Cytogenetic location: 15q22.31.
Variant type: single nucleotide variant.
Coding change: c.1484C>G on transcript NM_005585.5 (MANE Select); coding-DNA position 1484, C replaced by G.
Protein change: p.Pro495Arg; replaces proline 495 with arginine.
Molecular consequence: missense variant. On other transcripts: non-coding transcript variant (1).
Genome position (GRCh38, 1-based): chr15:66,781,528, C>G. VCF-style: chr15-66781528-C-G. GRCh37 (hg19) VCF-style: chr15-67073866-C-G.
Other names: short protein forms P495R.
Identifiers: ClinVar variation 1773636 (VCV001773636.2), dbSNP rs2541900320, ClinGen allele CA393202638.

ClinVar aggregate classification (germline): Uncertain significance (1 of 4 stars; one submission).

Conditions:
Inborn genetic diseases. Identifiers: MedGen C0950123, MeSH D030342.

Submission:

Ambry Genetics
Classification: Uncertain significance for Inborn genetic diseases. Last evaluated: 2021-12-03. Review status: criteria provided, single submitter. Criteria: Ambry Variant Classification Scheme 2023. Collection method: clinical testing. Allele origin: germline.
Comment: The p.P495R variant (also known as c.1484C>G), located in coding exon 4 of the SMAD6 gene, results from a C to G substitution at nucleotide position 1484. The proline at codon 495 is replaced by arginine, an amino acid with dissimilar properties. This amino acid position is conserved. In addition, the in silico prediction for this alteration is inconclusive. Since supporting evidence is limited at this time, the clinical significance of this alteration remains unclear.